The following is an entry in ClinVar:

ClinVar aggregate classification (germline): Uncertain significance (1 of 4 stars; one submission).

Submission:

Labcorp Genetics (formerly Invitae), Labcorp
Classification: Uncertain significance. Last evaluated: 2025-11-12. Review status: criteria provided, single submitter. Criteria: Invitae Variant Classification Sherloc (09022015). Collection method: clinical testing. Allele origin: germline.
Comment: This sequence change replaces aspartic acid, which is acidic and polar, with tyrosine, which is neutral and polar, at codon 1394 of the FLNB protein (p.Asp1394Tyr). This variant is not present in population databases (gnomAD no frequency). This variant has not been reported in the literature in individuals affected with FLNB-related conditions. Invitae Evidence Modeling of protein sequence and biophysical properties (such as structural, functional, and spatial information, amino acid conservation, physicochemical variation, residue mobility, and thermodynamic stability) indicates that this missense variant is not expected to disrupt FLNB protein function with a negative predictive value of 95%. In summary, the available evidence is currently insufficient to determine the role of this variant in disease. Therefore, it has been classified as a Variant of Uncertain Significance.

NM_001457.4(FLNB):c.4180G>T (p.Asp1394Tyr)

Gene: FLNB (filamin B; plus strand). Cytogenetic location: 3p14.3.
Variant type: single nucleotide variant.
Coding change: c.4180G>T on transcript NM_001457.4 (MANE Select); coding-DNA position 4180, G replaced by T.
Protein change: p.Asp1394Tyr; replaces aspartic acid 1394 with tyrosine.
Molecular consequence: missense variant.
Genome position (GRCh38, 1-based): chr3:58,126,720, G>T. VCF-style: chr3-58126720-G-T. GRCh37 (hg19) VCF-style: chr3-58112447-G-T.
Other names: c.4180G>T, p.Asp1394Tyr (NM_001164317.2, NM_001164318.2, NM_001164319.2); short protein forms D1394Y.
Identifiers: ClinVar variation 4801712 (VCV004801712.1).